The following is an entry in ClinVar:

ClinVar aggregate classification (germline): Uncertain significance (1 of 4 stars; one submission).

Allele frequency attached by ClinVar (database versions not stated): gnomAD 0.00001.
gnomAD v4.1: 16 of 1,612,940 alleles (0.00099%); highest among the groups gnomAD compares: African/African-American, 0.0013%; no homozygotes.

Submission:

Labcorp Genetics (formerly Invitae), Labcorp
Classification: Uncertain significance. Last evaluated: 2021-11-23. Review status: criteria provided, single submitter. Criteria: Invitae Variant Classification Sherloc (09022015). Collection method: clinical testing. Allele origin: germline.
Comment: In summary, the available evidence is currently insufficient to determine the role of this variant in disease. Therefore, it has been classified as a Variant of Uncertain Significance. Algorithms developed to predict the effect of missense changes on protein structure and function (SIFT, PolyPhen-2, Align-GVGD) all suggest that this variant is likely to be tolerated. This variant has not been reported in the literature in individuals affected with ABHD5-related conditions. This variant is present in population databases (rs764177895, gnomAD 0.007%). This sequence change replaces aspartic acid, which is acidic and polar, with histidine, which is basic and polar, at codon 243 of the ABHD5 protein (p.Asp243His).

NM_016006.6(ABHD5):c.727G>C (p.Asp243His)

Gene: ABHD5 (abhydrolase domain containing 5, lysophosphatidic acid acyltransferase; plus strand). Cytogenetic location: 3p21.33.
Variant type: single nucleotide variant.
Coding change: c.727G>C on transcript NM_016006.6 (MANE Select); coding-DNA position 727, G replaced by C.
Protein change: p.Asp243His; replaces aspartic acid 243 with histidine.
Molecular consequence: missense variant.
Genome position (GRCh38, 1-based): chr3:43,715,012, G>C. VCF-style: chr3-43715012-G-C. GRCh37 (hg19) VCF-style: chr3-43756504-G-C.
Other names: c.727G>C, p.Asp243His (NM_001355186.2, NM_001365650.1); c.604G>C, p.Asp202His (NM_001365649.1); short protein forms D202H, D243H.
Identifiers: ClinVar variation 1983914 (VCV001983914.2), dbSNP rs764177895, ClinGen allele CA2341424.
Genomic context (GRCh38, chr3:43,715,012, plus strand): 5'-AGTCTAGTGCAGCGTTTAAGGCCTGATTTCAAACGAAAGTATTCTTCAATGTTCGAAGAC[G>C]ATACTGTGACAGAATACATCTACCACTGTAATGTGCAGACTCCAAGGTGAGGGTTAGGAT-3'
Protein context (NP_057090.2, residues 233-253): KRKYSSMFED[Asp243His]TVTEYIYHCN